The following is an entry in ClinVar:

ClinVar aggregate classification (germline): Uncertain significance. Review status: criteria provided, multiple submitters, no conflicts (2 of 4 stars). 2 submissions from 2 submitters: Uncertain significance (2). Last evaluated 2024-10-05.

Conditions:
Autosomal recessive limb-girdle muscular dystrophy type 2J (LGMDR10). Also called: Limb-girdle muscular dystrophy, type 2J; MUSCULAR DYSTROPHY, LIMB-GIRDLE, AUTOSOMAL RECESSIVE 10. Identifiers: Orphanet 140922, MedGen C1837342, MONDO:0012127, OMIM 608807.
Dilated cardiomyopathy 1G (CMD1G). Identifiers: Orphanet 154, MedGen C1858763, MONDO:0011400, OMIM 604145.

Allele frequency attached by ClinVar (database versions not stated): gnomAD exomes below 0.00001.
gnomAD v4.1: 1 of 1,613,868 alleles (0.000062%); highest among the groups gnomAD compares: South Asian, 0.0011%; no homozygotes.

Submissions (2):

Labcorp Genetics (formerly Invitae), Labcorp
Classification: Uncertain significance for Dilated cardiomyopathy 1G; Autosomal recessive limb-girdle muscular dystrophy type 2J. Last evaluated: 2024-10-05. Review status: criteria provided, single submitter. Criteria: Invitae Variant Classification Sherloc (09022015). Collection method: clinical testing. Allele origin: germline.
Comment: This sequence change replaces tyrosine, which is neutral and polar, with histidine, which is basic and polar, at codon 35182 of the TTN protein (p.Tyr35182His). This variant is not present in population databases (gnomAD no frequency). This variant has not been reported in the literature in individuals affected with TTN-related conditions. ClinVar contains an entry for this variant (Variation ID: 283066). Experimental studies and prediction algorithms are not available or were not evaluated, and the functional significance of this variant is currently unknown. This variant is located in the M band of TTN (PMID: 25589632). Non-truncating variants in this region may be relevant for neuromuscular disorders, but have not been definitively shown to cause cardiomyopathy (PMID: 23975875). In summary, the available evidence is currently insufficient to determine the role of this variant in disease. Therefore, it has been classified as a Variant of Uncertain Significance.

Eurofins Ntd Llc (ga)
Classification: Uncertain significance. Last evaluated: 2015-09-03. Review status: criteria provided, single submitter. Criteria: EGL Classification Definitions 2015. Collection method: clinical testing. Allele origin: germline. Observed: 1 variant allele, 1 heterozygote.

Literature cited by the submitters: PubMed 25589632 (cited by Labcorp Genetics (formerly Invitae), Labcorp); PubMed 23975875 (cited by Labcorp Genetics (formerly Invitae), Labcorp).

NM_001267550.2(TTN):c.105544T>C (p.Tyr35182His)

Genes: TTN-AS1 (TTN antisense RNA 1; plus strand), TTN (titin; minus strand), LOC129935184 (ATAC-STARR-seq lymphoblastoid active region 16809; plus strand). Cytogenetic location: 2q31.2.
Variant type: single nucleotide variant.
Coding change: c.105544T>C on transcript NM_001267550.2 (MANE Select); coding-DNA position 105544, T replaced by C.
Protein change: p.Tyr35182His; replaces tyrosine 35182 with histidine.
Molecular consequence: missense variant.
Genome position (GRCh38, 1-based): chr2:178,531,071, A>G on the plus strand (T>C on the coding strand, the complement: TTN is on the minus strand). VCF-style: chr2-178531071-A-G. GRCh37 (hg19) VCF-style: chr2-179395798-A-G.
Other names: c.100621T>C, p.Tyr33541His (NM_001256850.1); c.78349T>C, p.Tyr26117His (NM_003319.4); c.97840T>C, p.Tyr32614His (NM_133378.4); c.78724T>C, p.Tyr26242His (NM_133432.3); c.78925T>C, p.Tyr26309His (NM_133437.4); short protein forms Y32614H, Y33541H, Y35182H, Y26117H, Y26242H, Y26309H.
Identifiers: ClinVar variation 283066 (VCV000283066.7), dbSNP rs886042549, ClinGen allele CA10604385.